The following is an entry in ClinVar:

NM_002439.5(MSH3):c.1544T>G (p.Leu515Trp)

Gene: MSH3 (mutS homolog 3; plus strand). Cytogenetic location: 5q14.1.
Variant type: single nucleotide variant.
Coding change: c.1544T>G on transcript NM_002439.5 (MANE Select); coding-DNA position 1544, T replaced by G.
Protein change: p.Leu515Trp; replaces leucine 515 with tryptophan.
Molecular consequence: missense variant.
Genome position (GRCh38, 1-based): chr5:80,728,941, T>G. VCF-style: chr5-80728941-T-G. GRCh37 (hg19) VCF-style: chr5-80024760-T-G.
Other names: short protein forms L515W.
Identifiers: ClinVar variation 4654623 (VCV004654623.2).

ClinVar aggregate classification (germline): Uncertain significance. Review status: criteria provided, multiple submitters, no conflicts (2 of 4 stars). 2 submissions from 2 submitters: Uncertain significance (2). Last evaluated 2025-10-28.

Conditions:
Hereditary cancer-predisposing syndrome. Also called: Neoplastic Syndromes, Hereditary; Tumor predisposition; Hereditary Cancer Syndrome; Hereditary neoplastic syndrome. Identifiers: Orphanet 140162, MedGen C0027672, MeSH D009386, MONDO:0015356.

Submissions (2):

Ambry Genetics
Classification: Uncertain significance for Hereditary cancer-predisposing syndrome. Last evaluated: 2025-10-28. Review status: criteria provided, single submitter. Criteria: Ambry Variant Classification Scheme 2023. Collection method: clinical testing. Allele origin: germline.
Comment: The p.L515W variant (also known as c.1544T>G), located in coding exon 10 of the MSH3 gene, results from a T to G substitution at nucleotide position 1544. The leucine at codon 515 is replaced by tryptophan, an amino acid with similar properties. This amino acid position is conserved. In addition, this alteration is predicted to be deleterious by in silico analysis. Based on the available evidence, the clinical significance of this variant remains unclear.

Labcorp Genetics (formerly Invitae), Labcorp
Classification: Uncertain significance. Last evaluated: 2025-10-09. Review status: criteria provided, single submitter. Criteria: Invitae Variant Classification Sherloc (09022015). Collection method: clinical testing. Allele origin: germline.
Comment: This sequence change replaces leucine, which is neutral and non-polar, with tryptophan, which is neutral and slightly polar, at codon 515 of the MSH3 protein (p.Leu515Trp). This variant is not present in population databases (gnomAD no frequency). This variant has not been reported in the literature in individuals affected with MSH3-related conditions. An algorithm developed to predict the effect of missense changes on protein structure and function (PolyPhen-2) suggests that this variant is likely to be disruptive. In summary, the available evidence is currently insufficient to determine the role of this variant in disease. Therefore, it has been classified as a Variant of Uncertain Significance.